The following is an entry in ClinVar:

NM_001122630.2(CDKN1C):c.283_284delinsGT (p.Pro95Val)

Gene: CDKN1C (cyclin dependent kinase inhibitor 1C; minus strand). Cytogenetic location: 11p15.4.
Variant type: Indel.
Coding change: c.283_284delinsGT on transcript NM_001122630.2 (MANE Select); coding-DNA positions 283 to 284, CC replaced by GT.
Protein change: p.Pro95Val; replaces proline 95 with valine.
Molecular consequence: missense variant. On other transcripts: intron variant (1).
Genome position (GRCh38, 1-based): chr11:2,885,173-2,885,174, GG replaced by AC on the plus strand (CC replaced by GT on the coding strand, the reverse complement: CDKN1C is on the minus strand). VCF-style: chr11-2885173-GG-AC. GRCh37 (hg19) VCF-style: chr11-2906403-GG-AC.
Other names: c.316_317delinsGT, p.Pro106Val (NM_000076.2, NM_001362474.2); c.283_284delinsGT, p.Pro95Val (NM_001122631.2); c.255+28_255+29delinsGT (NM_001362475.2); short protein forms P106V, P95V.
Identifiers: ClinVar variation 1360161 (VCV001360161.6), dbSNP rs2133785351, ClinGen allele CA2573145947.

ClinVar aggregate classification (germline): Uncertain significance (1 of 4 stars; one submission).

Conditions:
Beckwith-Wiedemann syndrome (BWS). Also called: EMG SYNDROME; Exomphalos macroglossia gigantism syndrome. Identifiers: Orphanet 116, MedGen C0004903, MONDO:0007534, OMIM 130650.

Submission:

Labcorp Genetics (formerly Invitae), Labcorp
Classification: Uncertain significance for Beckwith-Wiedemann syndrome. Last evaluated: 2021-06-10. Review status: criteria provided, single submitter. Criteria: Invitae Variant Classification Sherloc (09022015). Collection method: clinical testing. Allele origin: germline.
Comment: This variant has not been reported in the literature in individuals with CDKN1C-related conditions. In summary, the available evidence is currently insufficient to determine the role of this variant in disease. Therefore, it has been classified as a Variant of Uncertain Significance. Algorithms developed to predict the effect of sequence changes on RNA splicing suggest that this variant may create or strengthen a splice site, but this prediction has not been confirmed by published transcriptional studies. Algorithms developed to predict the effect of missense changes on protein structure and function are either unavailable or do not agree on the potential impact of this missense change (SIFT: "Not Available"; PolyPhen-2: "Benign"; Align-GVGD: "Not Available"). The frequency data for this variant in the population databases is considered unreliable, as metrics indicate insufficient coverage at this position in the ExAC database. This sequence change replaces proline with valine at codon 106 of the CDKN1C protein (p.Pro106Val). The proline residue is highly conserved and there is a small physicochemical difference between proline and valine.